The following is an entry in ClinVar:

ClinVar aggregate classification (germline): Uncertain significance. Review status: criteria provided, multiple submitters, no conflicts (2 of 4 stars). 2 submissions from 2 submitters: Uncertain significance (2). Last evaluated 2025-12-25.

Conditions:
Hyperaldosteronism, familial, type IV (HALD4). Also called: FH IV; ALDOSTERONISM, PRIMARY, AND HYPERTENSION. Identifiers: Orphanet 642671, MedGen C4310756, MONDO:0014875, OMIM 617027.
Idiopathic generalized epilepsy. Also called: Generalised epilepsy; EIG. Identifiers: MedGen C0270850, MONDO:0005579, OMIM 600669.

gnomAD v4.1: 10 of 1,496,420 alleles (0.00067%); highest among the groups gnomAD compares: African/African-American, 0.0015%; no homozygotes.

Submissions (2):

Labcorp Genetics (formerly Invitae), Labcorp
Classification: Uncertain significance for Idiopathic generalized epilepsy; Hyperaldosteronism, familial, type IV. Last evaluated: 2025-12-25. Review status: criteria provided, single submitter. Criteria: Invitae Variant Classification Sherloc (09022015). Collection method: clinical testing. Allele origin: germline.
Comment: This sequence change replaces valine, which is neutral and non-polar, with methionine, which is neutral and non-polar, at codon 1299 of the CACNA1H protein (p.Val1299Met). The frequency data for this variant in the population databases is considered unreliable, as metrics indicate poor data quality at this position in the gnomAD database. This variant has not been reported in the literature in individuals affected with CACNA1H-related conditions. ClinVar contains an entry for this variant (Variation ID: 3778983). Invitae Evidence Modeling of protein sequence and biophysical properties (such as structural, functional, and spatial information, amino acid conservation, physicochemical variation, residue mobility, and thermodynamic stability) indicates that this missense variant is not expected to disrupt CACNA1H protein function with a negative predictive value of 80%. In summary, the available evidence is currently insufficient to determine the role of this variant in disease. Therefore, it has been classified as a Variant of Uncertain Significance.

Department of Pathology and Laboratory Medicine, Sinai Health System
Classification: Uncertain significance for hyperaldosteronism, familial, type IV. Last evaluated: 2021-10-22. Review status: criteria provided, single submitter. Criteria: ACMG Guidelines, 2015. Collection method: research. Allele origin: germline.

NM_021098.3(CACNA1H):c.3895G>A (p.Val1299Met)

Gene: CACNA1H (calcium voltage-gated channel subunit alpha1 H; plus strand). Cytogenetic location: 16p13.3.
Variant type: single nucleotide variant.
Coding change: c.3895G>A on transcript NM_021098.3 (MANE Select); coding-DNA position 3895, G replaced by A.
Protein change: p.Val1299Met; replaces valine 1299 with methionine.
Molecular consequence: missense variant.
Genome position (GRCh38, 1-based): chr16:1,210,419, G>A. VCF-style: chr16-1210419-G-A. GRCh37 (hg19) VCF-style: chr16-1260419-G-A.
Other names: c.3895G>A, p.Val1299Met (NM_001005407.2); short protein forms V1299M.
Identifiers: ClinVar variation 3778983 (VCV003778983.2).